The following is an entry in ClinVar:

NM_001199107.2(TBC1D24):c.24C>G (p.Cys8Trp)

Gene: TBC1D24 (TBC1 domain family member 24; plus strand). Cytogenetic location: 16p13.3.
Variant type: single nucleotide variant.
Coding change: c.24C>G on transcript NM_001199107.2 (MANE Select); coding-DNA position 24, C replaced by G.
Protein change: p.Cys8Trp; replaces cysteine 8 with tryptophan.
Molecular consequence: missense variant.
Genome position (GRCh38, 1-based): chr16:2,496,172, C>G. VCF-style: chr16-2496172-C-G. GRCh37 (hg19) VCF-style: chr16-2546173-C-G.
Other names: c.24C>G, p.Cys8Trp (NM_020705.3); short protein forms C8W.
Identifiers: ClinVar variation 2079833 (VCV002079833.4), dbSNP rs1417669588, ClinGen allele CA394374161.

ClinVar aggregate classification (germline): Uncertain significance (1 of 4 stars; one submission).

Conditions:
Developmental and epileptic encephalopathy, 1 (DEE1). Also called: X-linked infantile spasms; West's syndrome; Tonic spasms with clustering, arrest of psychomotor development and hypsarrhythmia on EEG; X-Linked Infantile Spasm Syndrome; OHTAHARA SYNDROME, X-LINKED; INFANTILE SPASM SYNDROME, X-LINKED 1. Identifiers: MedGen C3463992, MONDO:0010632, OMIM 308350. Disease mechanism: loss of function.
Autosomal dominant nonsyndromic hearing loss 65. Also called: Deafness, autosomal dominant 65; TBC1D24-Related Autosomal Dominant Nonsyndromic Hearing Loss (DFNA). Identifiers: Orphanet 90635, MedGen C3892048, MONDO:0014470, OMIM 616044.

Submission:

Labcorp Genetics (formerly Invitae), Labcorp
Classification: Uncertain significance for Developmental and epileptic encephalopathy, 1; Autosomal dominant nonsyndromic hearing loss 65. Last evaluated: 2022-06-04. Review status: criteria provided, single submitter. Criteria: Invitae Variant Classification Sherloc (09022015). Collection method: clinical testing. Allele origin: germline.
Comment: This sequence change replaces cysteine, which is neutral and slightly polar, with tryptophan, which is neutral and slightly polar, at codon 8 of the TBC1D24 protein (p.Cys8Trp). This variant is not present in population databases (gnomAD no frequency). This variant has not been reported in the literature in individuals affected with TBC1D24-related conditions. Advanced modeling of protein sequence and biophysical properties (such as structural, functional, and spatial information, amino acid conservation, physicochemical variation, residue mobility, and thermodynamic stability) performed at Invitae indicates that this missense variant is not expected to disrupt TBC1D24 protein function. Algorithms developed to predict the effect of sequence changes on RNA splicing suggest that this variant may create or strengthen a splice site. In summary, the available evidence is currently insufficient to determine the role of this variant in disease. Therefore, it has been classified as a Variant of Uncertain Significance.